The following is an entry in ClinVar:

ClinVar aggregate classification (germline): Conflicting classifications of pathogenicity. Review status: criteria provided, conflicting classifications (1 of 4 stars). 2 submissions from 2 submitters: Uncertain significance (1); Likely benign (1). Last evaluated 2025-04-21.

Conditions:
Inborn genetic diseases. Identifiers: MedGen C0950123, MeSH D030342.

Allele frequency attached by ClinVar (database versions not stated): ExAC 0.00001; ESP Exome Variant Server 0.00008.
gnomAD v4.1: 9 of 1,612,004 alleles (0.00056%); highest among the groups gnomAD compares: African/African-American, 0.008%; no homozygotes.

Submissions (2):

Ambry Genetics
Classification: Uncertain significance for Inborn genetic diseases. Last evaluated: 2025-04-21. Review status: criteria provided, single submitter. Criteria: Ambry Variant Classification Scheme 2023. Collection method: clinical testing. Allele origin: germline.

CeGaT Center for Human Genetics Tuebingen
Classification: Likely benign. Last evaluated: 2025-01-01. Review status: criteria provided, single submitter. Criteria: CeGaT Center For Human Genetics Tuebingen Variant Classification Criteria Version 2. Collection method: clinical testing. Allele origin: germline. Affected: yes. Observed: 1 variant allele.
Comment: ANKRD11: BP4

NM_013275.6(ANKRD11):c.3754G>T (p.Ala1252Ser)

Gene: ANKRD11 (ankyrin repeat domain 11; minus strand). Cytogenetic location: 16q24.3.
Variant type: single nucleotide variant.
Coding change: c.3754G>T on transcript NM_013275.6 (MANE Select); coding-DNA position 3754, G replaced by T.
Protein change: p.Ala1252Ser; replaces alanine 1252 with serine.
Molecular consequence: missense variant.
Genome position (GRCh38, 1-based): chr16:89,282,788, C>A on the plus strand (G>T on the coding strand, the complement: ANKRD11 is on the minus strand). VCF-style: chr16-89282788-C-A. GRCh37 (hg19) VCF-style: chr16-89349196-C-A.
Other names: c.3754G>T, p.Ala1252Ser (NM_001256182.2, NM_001256183.2); short protein forms A1252S.
Identifiers: ClinVar variation 1734592 (VCV001734592.15), dbSNP rs372581629, ClinGen allele CA8242294.